The following is an entry in ClinVar:

NM_000038.6(APC):c.342T>A (p.Pro114=)

Gene: APC (APC regulator of Wnt signaling pathway; plus strand). Cytogenetic location: 5q22.2.
Variant type: single nucleotide variant.
Coding change: c.342T>A on transcript NM_000038.6 (MANE Select); coding-DNA position 342, T replaced by A.
Protein change: p.Pro114=; no amino-acid change (proline 114 retained).
Molecular consequence: synonymous variant. On other transcripts: 5 prime UTR variant (4), non-coding transcript variant (2).
Genome position (GRCh38, 1-based): chr5:112,767,310, T>A. VCF-style: chr5-112767310-T-A. GRCh37 (hg19) VCF-style: chr5-112103007-T-A.
Other names: c.342T>A, p.Pro114= (NM_001127510.3, NM_001354895.2, NM_001354896.2 and 16 more transcripts); c.372T>A, p.Pro124= (NM_001127511.3, NM_001354897.2, NM_001354902.2 and 1 more transcripts); c.267T>A, p.Pro89= (NM_001354898.2, NM_001354904.2, NM_001407451.1); c.165T>A, p.Pro55= (NM_001354900.2, NM_001354901.2, NM_001354905.2 and 1 more transcripts); c.-694T>A (NM_001354906.2, NM_001407470.1, NM_001407471.1 and 1 more transcripts).
Identifiers: ClinVar variation 3148066 (VCV003148066.1), dbSNP rs2149789023, ClinGen allele CA445753357.

ClinVar aggregate classification (germline): Benign (1 of 4 stars; one submission).

Conditions:
Familial adenomatous polyposis 1 (FAP1). Also called: POLYPOSIS, ADENOMATOUS INTESTINAL; FAMILIAL ADENOMATOUS POLYPOSIS 1, ATTENUATED. Identifiers: MedGen C2713442, MONDO:0021056, OMIM 175100. Disease mechanism: loss of function.

Allele frequency attached by ClinVar (database versions not stated): gnomAD exomes below 0.00001.
gnomAD v4.1: 1 of 1,614,154 alleles (0.000062%); highest among the groups gnomAD compares: East Asian, 0.0022%; no homozygotes.

Submission:

Myriad Genetics, Inc.
Classification: Benign for Familial adenomatous polyposis 1. Last evaluated: 2024-02-22. Review status: criteria provided, single submitter. Criteria: Myriad Autosomal Dominant, Autosomal Recessive and X-Linked Classification Criteria (2023). Collection method: clinical testing. Allele origin: unknown.
Comment: This variant is considered benign. This variant is a silent/synonymous amino acid change and it is not expected to impact splicing.